The following is an entry in ClinVar:

ClinVar aggregate classification (germline): Uncertain significance. Review status: criteria provided, multiple submitters, no conflicts (2 of 4 stars). 2 submissions from 2 submitters: Uncertain significance (2). Last evaluated 2025-10-23.

Conditions:
Primary dilated cardiomyopathy (DCM). Also called: Dilated Cardiomyopathy. Identifiers: Orphanet 217604, MedGen C0007193, MeSH D002311, MONDO:0005021, HP:0001644. Inheritance: Various modes of inheritance.
Cardiovascular phenotype. Identifiers: MedGen CN230736.

Allele frequency attached by ClinVar (database versions not stated): gnomAD exomes below 0.00001 and 0.00001; gnomAD 0.00001; TOPMed 0.00001.
gnomAD v4.1: 13 of 1,614,012 alleles (0.00081%); highest among the groups gnomAD compares: East Asian, 0.0022%; no homozygotes.

Submissions (2):

Ambry Genetics
Classification: Uncertain significance for Cardiovascular phenotype. Last evaluated: 2025-10-23. Review status: criteria provided, single submitter. Criteria: Ambry Variant Classification Scheme 2023. Collection method: clinical testing. Allele origin: germline.
Comment: The p.R144C variant (also known as c.430C>T), located in coding exon 5 of the TXNRD2 gene, results from a C to T substitution at nucleotide position 430. The arginine at codon 144 is replaced by cysteine, an amino acid with highly dissimilar properties. This amino acid position is conserved. In addition, the in silico prediction for this alteration is inconclusive. Since supporting evidence is limited at this time, the clinical significance of this alteration remains unclear.

Labcorp Genetics (formerly Invitae), Labcorp
Classification: Uncertain significance for Primary dilated cardiomyopathy. Last evaluated: 2021-04-08. Review status: criteria provided, single submitter. Criteria: Invitae Variant Classification Sherloc (09022015). Collection method: clinical testing. Allele origin: germline.
Comment: Algorithms developed to predict the effect of missense changes on protein structure and function (SIFT, PolyPhen-2, Align-GVGD) all suggest that this variant is likely to be disruptive, but these predictions have not been confirmed by published functional studies and their clinical significance is uncertain. This variant has not been reported in the literature in individuals with TXNRD2-related conditions. This variant is not present in population databases (ExAC no frequency). This sequence change replaces arginine with cysteine at codon 144 of the TXNRD2 protein (p.Arg144Cys). The arginine residue is highly conserved and there is a large physicochemical difference between arginine and cysteine. In summary, the available evidence is currently insufficient to determine the role of this variant in disease. Therefore, it has been classified as a Variant of Uncertain Significance.

NM_006440.5(TXNRD2):c.430C>T (p.Arg144Cys)

Gene: TXNRD2 (thioredoxin reductase 2; minus strand). Cytogenetic location: 22q11.21.
Variant type: single nucleotide variant.
Coding change: c.430C>T on transcript NM_006440.5 (MANE Select); coding-DNA position 430, C replaced by T.
Protein change: p.Arg144Cys; replaces arginine 144 with cysteine.
Molecular consequence: missense variant. On other transcripts: non-coding transcript variant (1).
Genome position (GRCh38, 1-based): chr22:19,918,162, G>A on the plus strand (C>T on the coding strand, the complement: TXNRD2 is on the minus strand). VCF-style: chr22-19918162-G-A. GRCh37 (hg19) VCF-style: chr22-19905685-G-A.
Other names: c.430C>T, p.Arg144Cys (NM_001282512.3); c.427C>T, p.Arg143Cys (NM_001352300.2); c.340C>T, p.Arg114Cys (NM_001352301.2); c.430C>T (NM_006440.3); c.142C>T, p.Arg48Cys (NM_001352302.2); c.334C>T, p.Arg112Cys (NM_001352303.2); short protein forms R114C, R143C, R112C, R144C, R48C.
Identifiers: ClinVar variation 1389100 (VCV001389100.8), dbSNP rs749157073, ClinGen allele CA322105491.